The following is an entry in ClinVar:

NM_000141.5(FGFR2):c.1120G>A (p.Asp374Asn)

Gene: FGFR2 (fibroblast growth factor receptor 2; minus strand). Cytogenetic location: 10q26.13.
Variant type: single nucleotide variant.
Coding change: c.1120G>A on transcript NM_000141.5 (MANE Select); coding-DNA position 1120, G replaced by A.
Protein change: p.Asp374Asn; replaces aspartic acid 374 with asparagine.
Molecular consequence: missense variant. On other transcripts: non-coding transcript variant (1), intron variant (1).
Genome position (GRCh38, 1-based): chr10:121,515,284, C>T on the plus strand (G>A on the coding strand, the complement: FGFR2 is on the minus strand). VCF-style: chr10-121515284-C-T. GRCh37 (hg19) VCF-style: chr10-123274798-C-T.
Other names: c.1123G>A, p.Asp375Asn (NM_001144913.1, NM_022970.4); c.784G>A, p.Asp262Asn (NM_001144914.1); c.853G>A, p.Asp285Asn (NM_001144915.2, NM_023029.3); c.775G>A, p.Asp259Asn (NM_001144916.2, NM_001144918.2); c.856G>A, p.Asp286Asn (NM_001144919.2); c.436G>A, p.Asp146Asn (NM_001320654.2); c.1120G>A, p.Asp374Asn (NM_001320658.2); c.939+4695G>A (NM_001144917.2); short protein forms D146N, D375N, D262N, D286N, D259N, D285N, D374N.
Identifiers: ClinVar variation 2186170 (VCV002186170.4), dbSNP rs776413718, ClinGen allele CA5720835.

ClinVar aggregate classification (germline): Uncertain significance (1 of 4 stars; one submission).

Conditions:
FGFR2-related craniosynostosis. Identifiers: MedGen CN231480.

Allele frequency attached by ClinVar (database versions not stated): ExAC 0.00001; gnomAD 0.00001.
gnomAD v4.1: 3 of 1,613,990 alleles (0.00019%); highest among the groups gnomAD compares: African/African-American, 0.004%; no homozygotes.

Submission:

Labcorp Genetics (formerly Invitae), Labcorp
Classification: Uncertain significance for FGFR2-related craniosynostosis. Last evaluated: 2025-06-12. Review status: criteria provided, single submitter. Criteria: Invitae Variant Classification Sherloc (09022015). Collection method: clinical testing. Allele origin: germline.
Comment: This sequence change replaces aspartic acid, which is acidic and polar, with asparagine, which is neutral and polar, at codon 374 of the FGFR2 protein (p.Asp374Asn). This variant is present in population databases (rs776413718, gnomAD 0.01%). This variant has not been reported in the literature in individuals affected with FGFR2-related conditions. ClinVar contains an entry for this variant (Variation ID: 2186170). Invitae Evidence Modeling of protein sequence and biophysical properties (such as structural, functional, and spatial information, amino acid conservation, physicochemical variation, residue mobility, and thermodynamic stability) indicates that this missense variant is not expected to disrupt FGFR2 protein function with a negative predictive value of 80%. In summary, the available evidence is currently insufficient to determine the role of this variant in disease. Therefore, it has been classified as a Variant of Uncertain Significance.